The following is an entry in ClinVar:

ClinVar aggregate classification (germline): Uncertain significance (1 of 4 stars; one submission).

Conditions:
Inborn genetic diseases. Identifiers: MedGen C0950123, MeSH D030342.

Submission:

Ambry Genetics
Classification: Uncertain significance for Inborn genetic diseases. Last evaluated: 2025-03-26. Review status: criteria provided, single submitter. Criteria: Ambry Variant Classification Scheme 2023. Collection method: clinical testing. Allele origin: germline.
Comment: The p.K1539Q variant (also known as c.4615A>C), located in coding exon 31 of the ANKRD26 gene, results from an A to C substitution at nucleotide position 4615. The lysine at codon 1539 is replaced by glutamine, an amino acid with similar properties. This amino acid position is conserved. In addition, this alteration is predicted to be tolerated by in silico analysis. Based on the available evidence, the clinical significance of this variant remains unclear.

NM_014915.3(ANKRD26):c.4615A>C (p.Lys1539Gln)

Gene: ANKRD26 (ankyrin repeat domain containing 26; minus strand). Cytogenetic location: 10p12.1.
Variant type: single nucleotide variant.
Coding change: c.4615A>C on transcript NM_014915.3 (MANE Select); coding-DNA position 4615, A replaced by C.
Protein change: p.Lys1539Gln; replaces lysine 1539 with glutamine.
Molecular consequence: missense variant.
Genome position (GRCh38, 1-based): chr10:27,014,603, T>G on the plus strand (A>C on the coding strand, the complement: ANKRD26 is on the minus strand). VCF-style: chr10-27014603-T-G. GRCh37 (hg19) VCF-style: chr10-27303532-T-G.
Other names: c.4612A>C, p.Lys1538Gln (NM_001256053.2); short protein forms K1538Q, K1539Q.
Identifiers: ClinVar variation 3913246 (VCV003913246.1).
Genomic context (GRCh38, chr10:27,014,603, plus strand): 5'-AGAGTTGCTTATATTTTTCCAGTTCGGTTTTATTAAAGTCTTCTTGAGAAGTTTTTATTT[T>G]GGAGAGTTCAGATTCCAGATCTTTAATTCTGAGTTCCATCTGACTTTTCATTGAAGCAAA-3'
Protein context (NP_055730.2, residues 1529-1549): RIKDLESELS[Lys1539Gln]IKTSQEDFNK